The following is an entry in ClinVar:

ClinVar aggregate classification (germline): Pathogenic (1 of 4 stars; one submission).

Submission:

Labcorp Genetics (formerly Invitae), Labcorp
Classification: Pathogenic. Last evaluated: 2025-01-06. Review status: criteria provided, single submitter. Criteria: Invitae Variant Classification Sherloc (09022015). Collection method: clinical testing. Allele origin: germline.
Comment: This sequence change creates a premature translational stop signal (p.Trp1944*) in the USH2A gene. It is expected to result in an absent or disrupted protein product. Loss-of-function variants in USH2A are known to be pathogenic (PMID: 10729113, 10909849, 20507924, 25649381). This variant is not present in population databases (gnomAD no frequency). This variant has not been reported in the literature in individuals affected with USH2A-related conditions. For these reasons, this variant has been classified as Pathogenic.

Literature cited by the submitters: PubMed 10729113; PubMed 10909849; PubMed 20507924; PubMed 25649381.

NM_206933.4(USH2A):c.5832G>A (p.Trp1944Ter)

Genes: USH2A (usherin; minus strand), USH2A-AS2 (USH2A antisense RNA 2; plus strand). Cytogenetic location: 1q41.
Variant type: single nucleotide variant.
Coding change: c.5832G>A on transcript NM_206933.4 (MANE Select); coding-DNA position 5832, G replaced by A.
Protein change: p.Trp1944Ter; replaces tryptophan 1944 with a stop codon.
Molecular consequence: nonsense.
Genome position (GRCh38, 1-based): chr1:216,072,914, C>T on the plus strand (G>A on the coding strand, the complement: USH2A is on the minus strand). VCF-style: chr1-216072914-C-T. GRCh37 (hg19) VCF-style: chr1-216246256-C-T.
Other names: short protein forms W1944*.
Identifiers: ClinVar variation 3728540 (VCV003728540.2).